The following is an entry in ClinVar:

ClinVar aggregate classification (germline): Uncertain significance (1 of 4 stars; one submission).

Conditions:
Carnitine acylcarnitine translocase deficiency (CACTD). Identifiers: Orphanet 159, MedGen C0342791, MONDO:0008918, OMIM 212138.

Allele frequency attached by ClinVar (database versions not stated): TOPMed 0.00001; gnomAD 0.00002.
gnomAD v4.1: 26 of 1,613,758 alleles (0.0016%); highest among the groups gnomAD compares: South Asian, 0.0033%; no homozygotes.

Submission:

Labcorp Genetics (formerly Invitae), Labcorp
Classification: Uncertain significance for Carnitine acylcarnitine translocase deficiency. Last evaluated: 2021-08-24. Review status: criteria provided, single submitter. Criteria: Invitae Variant Classification Sherloc (09022015). Collection method: clinical testing. Allele origin: germline.
Comment: This sequence change replaces proline with leucine at codon 199 of the SLC25A20 protein (p.Pro199Leu). The proline residue is moderately conserved and there is a moderate physicochemical difference between proline and leucine. This variant is present in population databases (rs775269347, ExAC 0.02%). This variant has not been reported in the literature in individuals affected with SLC25A20-related conditions. Algorithms developed to predict the effect of missense changes on protein structure and function (SIFT, PolyPhen-2, Align-GVGD) all suggest that this variant is likely to be tolerated. In summary, the available evidence is currently insufficient to determine the role of this variant in disease. Therefore, it has been classified as a Variant of Uncertain Significance.

NM_000387.6(SLC25A20):c.596C>T (p.Pro199Leu)

Gene: SLC25A20 (solute carrier family 25 member 20; minus strand). Cytogenetic location: 3p21.31.
Variant type: single nucleotide variant.
Coding change: c.596C>T on transcript NM_000387.6 (MANE Select); coding-DNA position 596, C replaced by T.
Protein change: p.Pro199Leu; replaces proline 199 with leucine.
Molecular consequence: missense variant.
Genome position (GRCh38, 1-based): chr3:48,859,567, G>A on the plus strand (C>T on the coding strand, the complement: SLC25A20 is on the minus strand). VCF-style: chr3-48859567-G-A. GRCh37 (hg19) VCF-style: chr3-48897000-G-A.
Other names: short protein forms P199L.
Identifiers: ClinVar variation 655551 (VCV000655551.3), dbSNP rs775269347, ClinGen allele CA2387351.
Genomic context (GRCh38, chr3:48,859,567, plus strand): 5'-ACGCACCCATGACTGGGGAAAGTGGCTTCCAAGTTATGTTTTCCTCACCTCTTTCCCTCC[G>A]GAGTGAAGATATTTTTCAGCCATTCATATGTCATGAAATACATTCCACTAGCTGGGACAT-3'
Protein context (NP_000378.1, residues 189-209): TYEWLKNIFT[Pro199Leu]EGKRVSELSA